The following is an entry in ClinVar:

ClinVar aggregate classification (germline): Uncertain significance (1 of 4 stars; one submission).

Conditions:
Inborn genetic diseases. Identifiers: MedGen C0950123, MeSH D030342.

Submission:

Ambry Genetics
Classification: Uncertain significance for Inborn genetic diseases. Last evaluated: 2026-03-20. Review status: criteria provided, single submitter. Criteria: Ambry Variant Classification Scheme 2023. Collection method: clinical testing. Allele origin: germline.
Comment: The p.D838E variant (also known as c.2514C>A), located in coding exon 9 of the MECOM gene, results from a C to A substitution at nucleotide position 2514. The aspartic acid at codon 838 is replaced by glutamic acid, an amino acid with highly similar properties. This amino acid position is conserved. In addition, the in silico prediction for this alteration is inconclusive. Based on the available evidence, the clinical significance of this variant remains unclear.

NM_004991.4(MECOM):c.2514C>A (p.Asp838Glu)

Gene: MECOM (MDS1 and EVI1 complex locus; minus strand). Cytogenetic location: 3q26.2.
Variant type: single nucleotide variant.
Coding change: c.2514C>A on transcript NM_004991.4 (MANE Select); coding-DNA position 2514, C replaced by A.
Protein change: p.Asp838Glu; replaces aspartic acid 838 with glutamic acid.
Molecular consequence: missense variant.
Genome position (GRCh38, 1-based): chr3:169,112,850, G>T on the plus strand (C>A on the coding strand, the complement: MECOM is on the minus strand). VCF-style: chr3-169112850-G-T. GRCh37 (hg19) VCF-style: chr3-168830638-G-T.
Other names: c.2145C>A, p.Asp715Glu (NM_001105077.4); c.1950C>A, p.Asp650Glu (NM_001105078.4, NM_001164000.2, NM_001205194.2 and 4 more transcripts); c.1953C>A, p.Asp651Glu (NM_001163999.2, NM_001366467.2, NM_001366468.2 and 1 more transcripts); c.2514C>A, p.Asp838Glu (NM_001366466.2); c.1542C>A, p.Asp514Glu (NM_001366473.2); c.978C>A, p.Asp326Glu (NM_001366474.2); short protein forms D326E, D514E, D650E, D651E, D715E, D838E.
Identifiers: ClinVar variation 4859696 (VCV004859696.1).